The following is an entry in ClinVar:

ClinVar aggregate classification (germline): not provided (0 of 4 stars; one submission).

Allele frequency attached by ClinVar (database versions not stated): gnomAD 0.00042 and 0.00043; TOPMed 0.00042; 1000 Genomes Project 0.00100; 1000 Genomes Project 30x 0.00125.

Submission:

Human Evolutionary Genetics, Institut Pasteur
No classification provided. Review status: no classification provided. Collection method: not provided. Allele origin: germline.
ClinVar note: Converted during submission from untested to not provided.

NC_000016.10:g.56988649G>A

Gene: NLRC5 (NLR family CARD domain containing 5; plus strand). Cytogenetic location: 16q13.
Variant type: single nucleotide variant.
Genome position: GRCh38 VCF-style: chr16-56988649-G-A. GRCh37 (hg19) VCF-style: chr16-57022561-G-A.
Identifiers: ClinVar variation 102973 (VCV000102973.2), dbSNP rs199475959, ClinGen allele CA229939.